The following is an entry in ClinVar:

ClinVar aggregate classification (germline): Benign/Likely benign. Review status: criteria provided, multiple submitters, no conflicts (2 of 4 stars). 2 submissions from 2 submitters: Benign (1); Likely benign (1). Last evaluated 2025-10-04.

Allele frequency attached by ClinVar (database versions not stated): gnomAD 0.00002 and 0.00003; gnomAD exomes 0.00002 and 0.00004; TOPMed 0.00002; ExAC 0.00004.

Submissions (2):

Labcorp Genetics (formerly Invitae), Labcorp
Classification: Benign. Last evaluated: 2025-10-04. Review status: criteria provided, single submitter. Criteria: Invitae Variant Classification Sherloc (09022015). Collection method: clinical testing. Allele origin: germline.

CeGaT Center for Human Genetics Tuebingen
Classification: Likely benign. Last evaluated: 2025-07-01. Review status: criteria provided, single submitter. Criteria: CeGaT Center For Human Genetics Tuebingen Variant Classification Criteria Version 2. Collection method: clinical testing. Allele origin: germline. Affected: yes. Observed: 3 variant alleles.
Comment: SON: BS2

NM_138927.4(SON):c.1390G>A (p.Glu464Lys)

Gene: SON (SON DNA and RNA binding protein; plus strand). Cytogenetic location: 21q22.11.
Variant type: single nucleotide variant.
Coding change: c.1390G>A on transcript NM_138927.4 (MANE Select); coding-DNA position 1390, G replaced by A.
Protein change: p.Glu464Lys; replaces glutamic acid 464 with lysine.
Molecular consequence: missense variant. On other transcripts: non-coding transcript variant (1), intron variant (1).
Genome position (GRCh38, 1-based): chr21:33,550,621, G>A. VCF-style: chr21-33550621-G-A. GRCh37 (hg19) VCF-style: chr21-34922927-G-A.
Other names: c.1390G>A, p.Glu464Lys (NM_001291411.2, NM_032195.3); c.244+4242G>A (NM_001291412.3); short protein forms E464K.
Identifiers: ClinVar variation 1619586 (VCV001619586.32), dbSNP rs763404313, ClinGen allele CA10008888.
Genomic context (GRCh38, chr21:33,550,621, plus strand): 5'-ACACCAGTGCCACAGTTGTCGCAGGAATTGCCAGGGCTTCCAGCACCATCCATGGGGTTG[G>A]AGCCACCACAGGAGGTACCAGAGCCACCTGTGATGGCACAGGAGTTGCCAGGGCTGCCTT-3'
Protein context (NP_620305.3, residues 454-474): PGLPAPSMGL[Glu464Lys]PPQEVPEPPV